The following is an entry in ClinVar:

ClinVar aggregate classification (germline): Benign (1 of 4 stars; one submission).

Conditions:
Cone-rod dystrophy 7 (CORD7). Identifiers: Orphanet 1872, MedGen C1863634, MONDO:0011355, OMIM 603649.

Allele frequency attached by ClinVar (database versions not stated): TOPMed 0.00853; 1000 Genomes Project 0.00479; gnomAD exomes 0.01133; gnomAD 0.00886; 1000 Genomes Project 30x 0.00500.
gnomAD v4.1: 6,909 of 645,522 alleles (1.1%); highest among the groups gnomAD compares: Non-Finnish European, 1.5%; 46 homozygotes.

Submission:

Illumina Laboratory Services, Illumina
Classification: Benign for Cone-rod dystrophy 7. Last evaluated: 2018-01-12. Review status: criteria provided, single submitter. Criteria: ICSL Variant Classification Criteria 13 December 2019. Collection method: clinical testing. Allele origin: germline.
Comment: This variant was observed in the ICSL laboratory as part of a predisposition screen in an ostensibly healthy population. It had not been previously curated by ICSL or reported in the Human Gene Mutation Database (HGMD: prior to June 1st, 2018), and was therefore a candidate for classification through an automated scoring system. Utilizing variant allele frequency, disease prevalence and penetrance estimates, and inheritance mode, an automated score was calculated to assess if this variant is too frequent to cause the disease. Based on the score and internal cut-off values, a variant classified as benign is not then subjected to further curation. The score for this variant resulted in a classification of benign for this disease.

NM_014989.7(RIMS1):c.*138G>T

Gene: RIMS1 (regulating synaptic membrane exocytosis 1; plus strand). Cytogenetic location: 6q13.
Variant type: single nucleotide variant.
Coding change: c.*138G>T on transcript NM_014989.7 (MANE Select); 138 bases downstream of the stop codon, G replaced by T.
Molecular consequence: 3 prime UTR variant.
Genome position (GRCh38, 1-based): chr6:72,400,852, G>T. VCF-style: chr6-72400852-G-T. GRCh37 (hg19) VCF-style: chr6-73110554-G-T.
Other names: c.*138G>T (NM_001168407.2, NM_001168408.2, NM_001168409.2 and 60 more transcripts).
Identifiers: ClinVar variation 357868 (VCV000357868.5), dbSNP rs55642181, ClinGen allele CA10622651.